The following is an entry in ClinVar:

NM_004260.4(RECQL4):c.529G>A (p.Ala177Thr)

Gene: RECQL4 (RecQ like helicase 4; minus strand). Cytogenetic location: 8q24.3.
Variant type: single nucleotide variant.
Coding change: c.529G>A on transcript NM_004260.4 (MANE Select); coding-DNA position 529, G replaced by A.
Protein change: p.Ala177Thr; replaces alanine 177 with threonine.
Molecular consequence: missense variant.
Genome position (GRCh38, 1-based): chr8:144,516,590, C>T on the plus strand (G>A on the coding strand, the complement: RECQL4 is on the minus strand). VCF-style: chr8-144516590-C-T. GRCh37 (hg19) VCF-style: chr8-145741974-C-T.
Other names: short protein forms A177T.
Identifiers: ClinVar variation 1377730 (VCV001377730.6), dbSNP rs2130727146, ClinGen allele CA372691135.
Genomic context (GRCh38, chr8:144,516,590, plus strand): 5'-CACTGTGACATCGCTGTAACCAGCCAGGATCTAGGGAGCCCAGCCGCTGGCTCAGGGATG[C>T]CTGCAGATGCTGGAGCCGGCCTGGCCTTGGCTGGGGCTCAGGGAGCTGTGGAGGCTCATC-3'
Protein context (NP_004251.4, residues 167-187): PRPGRLQHLQ[Ala177Thr]SLSQRLGSLD

ClinVar aggregate classification (germline): Uncertain significance (1 of 4 stars; one submission).

Conditions:
Baller-Gerold syndrome (BGS). Also called: CRANIOSYNOSTOSIS WITH RADIAL DEFECTS. Identifiers: Orphanet 1225, MedGen C0265308, MONDO:0009039, OMIM 218600.

Submission:

Labcorp Genetics (formerly Invitae), Labcorp
Classification: Uncertain significance for Baller-Gerold syndrome. Last evaluated: 2022-09-15. Review status: criteria provided, single submitter. Criteria: Invitae Variant Classification Sherloc (09022015). Collection method: clinical testing. Allele origin: germline.
Comment: In summary, the available evidence is currently insufficient to determine the role of this variant in disease. Therefore, it has been classified as a Variant of Uncertain Significance. This sequence change replaces alanine, which is neutral and non-polar, with threonine, which is neutral and polar, at codon 177 of the RECQL4 protein (p.Ala177Thr). This variant is not present in population databases (gnomAD no frequency). This variant has not been reported in the literature in individuals affected with RECQL4-related conditions. ClinVar contains an entry for this variant (Variation ID: 1377730). Experimental studies and prediction algorithms are not available or were not evaluated, and the functional significance of this variant is currently unknown.